The following is an entry in ClinVar:

NM_031220.4(PITPNM3):c.1771C>G (p.Gln591Glu)

Gene: PITPNM3 (PITPNM family member 3; minus strand). Cytogenetic location: 17p13.2.
Variant type: single nucleotide variant.
Coding change: c.1771C>G on transcript NM_031220.4 (MANE Select); coding-DNA position 1771, C replaced by G.
Protein change: p.Gln591Glu; replaces glutamine 591 with glutamic acid.
Molecular consequence: missense variant.
Genome position (GRCh38, 1-based): chr17:6,470,262, G>C on the plus strand (C>G on the coding strand, the complement: PITPNM3 is on the minus strand). VCF-style: chr17-6470262-G-C. GRCh37 (hg19) VCF-style: chr17-6373582-G-C.
Other names: c.1663C>G, p.Gln555Glu (NM_001165966.2); short protein forms Q591E, Q555E.
Identifiers: ClinVar variation 2775555 (VCV002775555.3), dbSNP rs1184730516, ClinGen allele CA397404532.

ClinVar aggregate classification (germline): Uncertain significance (1 of 4 stars; one submission).

Submission:

Labcorp Genetics (formerly Invitae), Labcorp
Classification: Uncertain significance. Last evaluated: 2023-12-22. Review status: criteria provided, single submitter. Criteria: Invitae Variant Classification Sherloc (09022015). Collection method: clinical testing. Allele origin: germline.
Comment: This sequence change replaces glutamine, which is neutral and polar, with glutamic acid, which is acidic and polar, at codon 591 of the PITPNM3 protein (p.Gln591Glu). This variant is not present in population databases (gnomAD no frequency). This variant has not been reported in the literature in individuals affected with PITPNM3-related conditions. An algorithm developed to predict the effect of missense changes on protein structure and function (PolyPhen-2) suggests that this variant is likely to be disruptive. In summary, the available evidence is currently insufficient to determine the role of this variant in disease. Therefore, it has been classified as a Variant of Uncertain Significance.